The following is an entry in ClinVar:

ClinVar aggregate classification (germline): Uncertain significance. Review status: criteria provided, multiple submitters, no conflicts (2 of 4 stars). 3 submissions from 3 submitters: Uncertain significance (3). Last evaluated 2025-03-17.

Conditions:
Inborn genetic diseases. Identifiers: MedGen C0950123, MeSH D030342.

Allele frequency attached by ClinVar (database versions not stated): gnomAD 0.00001; gnomAD exomes 0.00001 and 0.00004; TOPMed 0.00001; ExAC 0.00002; 1000 Genomes Project 0.00020; 1000 Genomes Project 30x 0.00031.
gnomAD v4.1: 16 of 1,614,200 alleles (0.00099%); highest among the groups gnomAD compares: Admixed American, 0.01%; no homozygotes.

Submissions (3):

Ambry Genetics
Classification: Uncertain significance for Inborn genetic diseases. Last evaluated: 2025-03-17. Review status: criteria provided, single submitter. Criteria: Ambry Variant Classification Scheme 2023. Collection method: clinical testing. Allele origin: germline.

Labcorp Genetics (formerly Invitae), Labcorp
Classification: Uncertain significance. Last evaluated: 2022-10-05. Review status: criteria provided, single submitter. Criteria: Invitae Variant Classification Sherloc (09022015). Collection method: clinical testing. Allele origin: germline.
Comment: In summary, the available evidence is currently insufficient to determine the role of this variant in disease. Therefore, it has been classified as a Variant of Uncertain Significance. Advanced modeling of protein sequence and biophysical properties (such as structural, functional, and spatial information, amino acid conservation, physicochemical variation, residue mobility, and thermodynamic stability) performed at Invitae indicates that this missense variant is not expected to disrupt CNGB1 protein function. ClinVar contains an entry for this variant (Variation ID: 1000818). This variant has not been reported in the literature in individuals affected with CNGB1-related conditions. This variant is present in population databases (rs201702756, gnomAD 0.02%). This sequence change replaces isoleucine, which is neutral and non-polar, with threonine, which is neutral and polar, at codon 587 of the CNGB1 protein (p.Ile587Thr).

Blueprint Genetics
Classification: Uncertain significance. Last evaluated: 2019-09-30. Review status: criteria provided, single submitter. Criteria: ACMG Guidelines, 2015. Collection method: clinical testing. Allele origin: germline.

NM_001297.5(CNGB1):c.1760T>C (p.Ile587Thr)

Gene: CNGB1 (cyclic nucleotide gated channel subunit beta 1; minus strand). Cytogenetic location: 16q21.
Variant type: single nucleotide variant.
Coding change: c.1760T>C on transcript NM_001297.5 (MANE Select); coding-DNA position 1760, T replaced by C.
Protein change: p.Ile587Thr; replaces isoleucine 587 with threonine.
Molecular consequence: missense variant.
Genome position (GRCh38, 1-based): chr16:57,920,428, A>G on the plus strand (T>C on the coding strand, the complement: CNGB1 is on the minus strand). VCF-style: chr16-57920428-A-G. GRCh37 (hg19) VCF-style: chr16-57954332-A-G.
Other names: c.1742T>C, p.Ile581Thr (NM_001286130.2); c.1760T>C (NM_001297.4); short protein forms I581T, I587T.
Identifiers: ClinVar variation 1000818 (VCV001000818.10), dbSNP rs201702756, ClinGen allele CA8083307.